The following is an entry in ClinVar:

ClinVar aggregate classification (germline): Uncertain significance. Review status: criteria provided, multiple submitters, no conflicts (2 of 4 stars). 2 submissions from 2 submitters: Uncertain significance (2). Last evaluated 2026-02-01.

Conditions:
Familial juvenile hyperuricemic nephropathy type 1 (ADTKD1). Also called: UMOD-Associated Kidney Disease; Uromodulin-associated kidney disease; Autosomal Dominant Tubulointerstitial Kidney Disease – UMOD; Glomerulocystic kidney disease with hyperuricemia and isosthenuria; Medullary cystic kidney disease 2. Identifiers: Orphanet 209886, Orphanet 34149, Orphanet 88950, MedGen C4551496, MONDO:0008073, OMIM 162000.

gnomAD v4.1: 56 of 1,613,126 alleles (0.0035%); highest among the groups gnomAD compares: Admixed American, 0.023%; no homozygotes.

Submissions (2):

Labcorp Genetics (formerly Invitae), Labcorp
Classification: Uncertain significance. Last evaluated: 2026-02-01. Review status: criteria provided, single submitter. Criteria: Invitae Variant Classification Sherloc (09022015). Collection method: clinical testing. Allele origin: germline.
Comment: This sequence change falls in intron 5 of the UMOD gene. It does not directly change the encoded amino acid sequence of the UMOD protein. It affects a nucleotide within the consensus splice site. This variant is present in population databases (rs755374625, gnomAD 0.02%). This variant has not been reported in the literature in individuals affected with UMOD-related conditions. ClinVar contains an entry for this variant (Variation ID: 3578727). Variants that disrupt the consensus splice site are a relatively common cause of aberrant splicing (PMID: 17576681, 9536098). Algorithms developed to predict the effect of sequence changes on RNA splicing suggest that this variant may disrupt the consensus splice site. In summary, the available evidence is currently insufficient to determine the role of this variant in disease. Therefore, it has been classified as a Variant of Uncertain Significance.

Fulgent Genetics
Classification: Uncertain significance for Familial juvenile hyperuricemic nephropathy type 1. Last evaluated: 2024-05-22. Review status: criteria provided, single submitter. Criteria: ACMG Guidelines, 2015. Collection method: clinical testing. Allele origin: germline.

Literature cited by the submitters: PubMed 17576681 (cited by Labcorp Genetics (formerly Invitae), Labcorp); PubMed 9536098 (cited by Labcorp Genetics (formerly Invitae), Labcorp).

NM_003361.4(UMOD):c.1182+5G>A

Gene: UMOD (uromodulin; minus strand). Cytogenetic location: 16p12.3.
Variant type: single nucleotide variant.
Coding change: c.1182+5G>A on transcript NM_003361.4 (MANE Select); 5 bases into the intron after coding-DNA position 1182, G replaced by A.
Molecular consequence: intron variant.
Genome position (GRCh38, 1-based): chr16:20,346,121, C>T on the plus strand (G>A on the coding strand, the complement: UMOD is on the minus strand). VCF-style: chr16-20346121-C-T. GRCh37 (hg19) VCF-style: chr16-20357443-C-T.
Other names: c.1182+5G>A (NM_001008389.3, NM_001378234.1, NM_001378235.1 and 3 more transcripts); c.1281+5G>A (NM_001278614.2).
Identifiers: ClinVar variation 3578727 (VCV003578727.2).